The following is an entry in ClinVar:

NM_000083.3(CLCN1):c.19C>T (p.Gln7Ter)

Gene: CLCN1 (chloride voltage-gated channel 1; plus strand). Cytogenetic location: 7q34.
Variant type: single nucleotide variant.
Coding change: c.19C>T on transcript NM_000083.3 (MANE Select); coding-DNA position 19, C replaced by T.
Protein change: p.Gln7Ter; replaces glutamine 7 with a stop codon.
Molecular consequence: nonsense. On other transcripts: non-coding transcript variant (1).
Genome position (GRCh38, 1-based): chr7:143,316,231, C>T. VCF-style: chr7-143316231-C-T. GRCh37 (hg19) VCF-style: chr7-143013324-C-T.
Other names: short protein forms Q7*.
Identifiers: ClinVar variation 2939681 (VCV002939681.3), dbSNP rs2487015049, ClinGen allele CA369676406.

ClinVar aggregate classification (germline): Pathogenic (1 of 4 stars; one submission).

Conditions:
Congenital myotonia, autosomal dominant form (THD). Also called: THOMSEN DISEASE; Myotonia congenita autosomal dominant. Identifiers: Orphanet 614, MedGen C2936781, MONDO:0008055, OMIM 160800.
Congenital myotonia, autosomal recessive form. Also called: BECKER DISEASE; Becker Generalized Myotonia; myotonia congenita, autosomal recessive. Identifiers: Orphanet 614, MedGen C0751360, MONDO:0009715, OMIM 255700.

Allele frequency attached by ClinVar (database versions not stated): gnomAD exomes below 0.00001.

Submission:

Labcorp Genetics (formerly Invitae), Labcorp
Classification: Pathogenic for Congenital myotonia, autosomal recessive form; Congenital myotonia, autosomal dominant form. Last evaluated: 2024-01-04. Review status: criteria provided, single submitter. Criteria: Invitae Variant Classification Sherloc (09022015). Collection method: clinical testing. Allele origin: germline.
Comment: This sequence change creates a premature translational stop signal (p.Gln7*) in the CLCN1 gene. It is expected to result in an absent or disrupted protein product. Loss-of-function variants in CLCN1 are known to be pathogenic (PMID: 17932099, 22094069, 23739125). This variant is not present in population databases (gnomAD no frequency). This variant has not been reported in the literature in individuals affected with CLCN1-related conditions. For these reasons, this variant has been classified as Pathogenic.

Literature cited by the submitters: PubMed 17932099; PubMed 22094069; PubMed 23739125.